The following is an entry in ClinVar:

ClinVar aggregate classification (germline): Benign. Review status: criteria provided, single submitter (1 of 4 stars). 2 submissions from 2 submitters: Benign (1). 1 of the submissions does not count toward it. Last evaluated 2024-01-10.

Conditions:
Warburg micro syndrome 2 (WARBM2). Also called: MICRO SYNDROME 2. Identifiers: Orphanet 2510, MedGen C3280214, MONDO:0013641, OMIM 614225.
Martsolf syndrome (MARTS). Also called: Congenital cataract with intellectual disability and hypogonadotropic hypogonadism syndrome. Identifiers: Orphanet 1387, MedGen C0796037, MONDO:0023910.
RAB3GAP2-related disorder. Also called: RAB3GAP2-related disorders; RAB3GAP2-related condition.

Allele frequency attached by ClinVar (database versions not stated): gnomAD 0.00002 and 0.00003; gnomAD exomes 0.00006 and 0.00018; TOPMed 0.00008; ExAC 0.00014; 1000 Genomes Project 30x 0.00016; 1000 Genomes Project 0.00020.
gnomAD v4.1: 94 of 1,614,046 alleles (0.0058%); highest among the groups gnomAD compares: East Asian, 0.19%; 1 homozygote.

Submissions (2):

Labcorp Genetics (formerly Invitae), Labcorp
Classification: Benign for Martsolf syndrome; Warburg micro syndrome 2. Last evaluated: 2024-01-10. Review status: criteria provided, single submitter. Criteria: Invitae Variant Classification Sherloc (09022015). Collection method: clinical testing. Allele origin: germline.

PreventionGenetics, part of Exact Sciences
Classification: Likely benign for RAB3GAP2-related condition. Last evaluated: 2019-08-12. Review status: no assertion criteria provided. Collection method: clinical testing. Allele origin: germline. Not counted in ClinVar's aggregate classification.
Comment: This variant is classified as likely benign based on ACMG/AMP sequence variant interpretation guidelines (Richards et al. 2015 PMID: 25741868, with internal and published modifications).

NM_012414.4(RAB3GAP2):c.2417-4A>G

Gene: RAB3GAP2 (RAB3 GTPase activating non-catalytic protein subunit 2; minus strand). Cytogenetic location: 1q41.
Variant type: single nucleotide variant.
Coding change: c.2417-4A>G on transcript NM_012414.4 (MANE Select); 4 bases into the intron before coding-DNA position 2417, A replaced by G.
Molecular consequence: intron variant.
Genome position (GRCh38, 1-based): chr1:220,172,053, T>C on the plus strand (A>G on the coding strand, the complement: RAB3GAP2 is on the minus strand). VCF-style: chr1-220172053-T-C. GRCh37 (hg19) VCF-style: chr1-220345395-T-C.
Other names: c.2417-4A>G (NM_012414.3).
Identifiers: ClinVar variation 1167826 (VCV001167826.11), dbSNP rs577016598, ClinGen allele CA1402411.